The following is an entry in ClinVar:

ClinVar aggregate classification (germline): Uncertain significance. Review status: criteria provided, multiple submitters, no conflicts (2 of 4 stars). 3 submissions from 3 submitters: Uncertain significance (3). Last evaluated 2024-07-03.

Conditions:
Developmental and epileptic encephalopathy, 12 (DEE12). Identifiers: MedGen C3150988, MONDO:0013389, OMIM 613722.

Allele frequency attached by ClinVar (database versions not stated): gnomAD 0.00006 and 0.00007; ExAC 0.00010; gnomAD exomes 0.00012; TOPMed 0.00014; 1000 Genomes Project 0.00020.

Submissions (3):

GeneDx
Classification: Uncertain significance. Last evaluated: 2024-07-03. Review status: criteria provided, single submitter. Criteria: GeneDx Variant Classification Process June 2021. Collection method: clinical testing. Allele origin: germline. Affected: yes.
Comment: In silico analysis supports that this missense variant has a deleterious effect on protein structure/function; Has not been previously published as pathogenic or benign to our knowledge; This variant is associated with the following publications: (PMID: 22508754)

Labcorp Genetics (formerly Invitae), Labcorp
Classification: Uncertain significance for Developmental and epileptic encephalopathy, 12. Last evaluated: 2022-03-19. Review status: criteria provided, single submitter. Criteria: Invitae Variant Classification Sherloc (09022015). Collection method: clinical testing. Allele origin: germline.
Comment: This sequence change replaces arginine, which is basic and polar, with glycine, which is neutral and non-polar, at codon 396 of the PNKP protein (p.Arg396Gly). This variant is present in population databases (rs563918674, gnomAD 0.1%). This variant has not been reported in the literature in individuals affected with PNKP-related conditions. ClinVar contains an entry for this variant (Variation ID: 538882). Algorithms developed to predict the effect of missense changes on protein structure and function are either unavailable or do not agree on the potential impact of this missense change (SIFT: "Tolerated"; PolyPhen-2: "Probably Damaging"; Align-GVGD: "Class C0"). In summary, the available evidence is currently insufficient to determine the role of this variant in disease. Therefore, it has been classified as a Variant of Uncertain Significance.

CeGaT Center for Human Genetics Tuebingen
Classification: Uncertain significance. Last evaluated: 2018-09-01. Review status: criteria provided, single submitter. Criteria: CeGaT Center For Human Genetics Tuebingen Variant Classification Criteria Version 2. Collection method: clinical testing. Allele origin: germline. Affected: yes. Observed: 1 variant allele.

NM_007254.4(PNKP):c.1186A>G (p.Arg396Gly)

Gene: PNKP (polynucleotide kinase 3'-phosphatase; minus strand). Cytogenetic location: 19q13.33.
Variant type: single nucleotide variant.
Coding change: c.1186A>G on transcript NM_007254.4 (MANE Select); coding-DNA position 1186, A replaced by G.
Protein change: p.Arg396Gly; replaces arginine 396 with glycine.
Molecular consequence: missense variant.
Genome position (GRCh38, 1-based): chr19:49,862,046, T>C on the plus strand (A>G on the coding strand, the complement: PNKP is on the minus strand). VCF-style: chr19-49862046-T-C. GRCh37 (hg19) VCF-style: chr19-50365303-T-C.
Other names: short protein forms R396G.
Identifiers: ClinVar variation 538882 (VCV000538882.49), dbSNP rs563918674, ClinGen allele CA9586561.